The following is an entry in ClinVar:

NM_138927.4(SON):c.4990A>G (p.Ile1664Val)

Gene: SON (SON DNA and RNA binding protein; plus strand). Cytogenetic location: 21q22.11.
Variant type: single nucleotide variant.
Coding change: c.4990A>G on transcript NM_138927.4 (MANE Select); coding-DNA position 4990, A replaced by G.
Protein change: p.Ile1664Val; replaces isoleucine 1664 with valine.
Molecular consequence: missense variant. On other transcripts: non-coding transcript variant (1), intron variant (1).
Genome position (GRCh38, 1-based): chr21:33,554,221, A>G. VCF-style: chr21-33554221-A-G. GRCh37 (hg19) VCF-style: chr21-34926527-A-G.
Other names: c.4990A>G (NM_138927.2); c.4990A>G, p.Ile1664Val (NM_001291411.2, NM_001412133.1, NM_032195.3 and 2 more transcripts); c.245-2935A>G (NM_001291412.3); short protein forms I1664V.
Identifiers: ClinVar variation 2895260 (VCV002895260.4), dbSNP rs760754602, ClinGen allele CA10009636.

ClinVar aggregate classification (germline): Likely benign. Review status: criteria provided, single submitter (1 of 4 stars). 2 submissions from 2 submitters: Likely benign (1). 1 of the submissions does not count toward it. Last evaluated 2025-11-12.

Conditions:
SON-related disorder. Also called: SON-related condition.

Allele frequency attached by ClinVar (database versions not stated): gnomAD exomes 0.00002; ExAC 0.00003; gnomAD 0.00004; TOPMed 0.00002.
gnomAD v4.1: 30 of 1,614,034 alleles (0.0019%); highest among the groups gnomAD compares: Middle Eastern, 0.016%; no homozygotes.

Submissions (2):

Labcorp Genetics (formerly Invitae), Labcorp
Classification: Likely benign. Last evaluated: 2025-11-12. Review status: criteria provided, single submitter. Criteria: Invitae Variant Classification Sherloc (09022015). Collection method: clinical testing. Allele origin: germline.

PreventionGenetics, part of Exact Sciences
Classification: Likely benign for SON-related condition. Last evaluated: 2024-03-15. Review status: no assertion criteria provided. Collection method: clinical testing. Allele origin: germline. Not counted in ClinVar's aggregate classification.
Comment: This variant is classified as likely benign based on ACMG/AMP sequence variant interpretation guidelines (Richards et al. 2015 PMID: 25741868, with internal and published modifications).